The following is an entry in ClinVar:

ClinVar aggregate classification (germline): Likely pathogenic (1 of 4 stars; one submission).

Allele frequency attached by ClinVar (database versions not stated): ExAC 0.00002; gnomAD exomes 0.00002 and 0.00004; TOPMed 0.00002; gnomAD 0.00003 and 0.00004.
gnomAD v4.1: 57 of 1,613,006 alleles (0.0035%); highest among the groups gnomAD compares: Non-Finnish European, 0.0047%; no homozygotes.

Submission:

Labcorp Genetics (formerly Invitae), Labcorp
Classification: Likely pathogenic. Last evaluated: 2025-05-05. Review status: criteria provided, single submitter. Criteria: Invitae Variant Classification Sherloc (09022015). Collection method: clinical testing. Allele origin: germline.
Comment: This sequence change affects a donor splice site in intron 3 of the MMP13 gene. It is expected to disrupt RNA splicing. Variants that disrupt the donor or acceptor splice site typically lead to a loss of protein function (PMID: 16199547), and loss-of-function variants in MMP13 are known to be pathogenic (PMID: 24781753, 31413057). This variant is present in population databases (rs202204922, gnomAD 0.006%). This variant has not been reported in the literature in individuals affected with MMP13-related conditions. ClinVar contains an entry for this variant (Variation ID: 1066000). Algorithms developed to predict the effect of sequence changes on RNA splicing suggest that this variant may disrupt the consensus splice site. In summary, the currently available evidence indicates that the variant is pathogenic, but additional data are needed to prove that conclusively. Therefore, this variant has been classified as Likely Pathogenic.

Literature cited by the submitters: PubMed 16199547; PubMed 24781753; PubMed 31413057.

NM_002427.4(MMP13):c.511+2T>A

Gene: MMP13 (matrix metallopeptidase 13; minus strand). Cytogenetic location: 11q22.2.
Variant type: single nucleotide variant.
Coding change: c.511+2T>A on transcript NM_002427.4 (MANE Select); the canonical splice donor site of the intron after coding-DNA position 511, T replaced by A.
Molecular consequence: splice donor variant.
Genome position (GRCh38, 1-based): chr11:102,954,456, A>T on the plus strand (T>A on the coding strand, the complement: MMP13 is on the minus strand). VCF-style: chr11-102954456-A-T. GRCh37 (hg19) VCF-style: chr11-102825185-A-T.
Identifiers: ClinVar variation 1066000 (VCV001066000.5), dbSNP rs202204922, ClinGen allele CA6251975.